The following is an entry in ClinVar:

NM_022168.4(IFIH1):c.3025A>G (p.Thr1009Ala)

Gene: IFIH1 (interferon induced with helicase C domain 1; minus strand). Cytogenetic location: 2q24.2.
Variant type: single nucleotide variant.
Coding change: c.3025A>G on transcript NM_022168.4 (MANE Select); coding-DNA position 3025, A replaced by G.
Protein change: p.Thr1009Ala; replaces threonine 1009 with alanine.
Molecular consequence: missense variant.
Genome position (GRCh38, 1-based): chr2:162,267,253, T>C on the plus strand (A>G on the coding strand, the complement: IFIH1 is on the minus strand). VCF-style: chr2-162267253-T-C. GRCh37 (hg19) VCF-style: chr2-163123763-T-C.
Other names: short protein forms T1009A.
Identifiers: ClinVar variation 1461161 (VCV001461161.7), dbSNP rs1690942148, ClinGen allele CA348988839.
Genomic context (GRCh38, chr2:162,267,253, plus strand): 5'-TCAAGTGCTAATCCTCATCACTAAATAAACAGCATTCTGAATAGTCAAGATTGGGAAATG[T>C]GATAGGTAATTCTACCCACTTTTTGTATTGTTTCTTTGTTGAATTATTTTTGAAAACCAC-3'
Protein context (NP_071451.2, residues 999-1019): QYKKWVELPI[Thr1009Ala]FPNLDYSECC

ClinVar aggregate classification (germline): Uncertain significance. Review status: criteria provided, multiple submitters, no conflicts (2 of 4 stars). 2 submissions from 2 submitters: Uncertain significance (2). Last evaluated 2025-06-22.

Conditions:
Singleton-Merten syndrome 1 (SGMRT1). Also called: Syndrome of widened medullary cavities of the metacarpals and phalanges, aortic calcification and abnormal dentition; Widened medullary cavities of bone, aortic calcification, abnormal dentition, and muscular weakness. Identifiers: Orphanet 85191, MedGen C4225427, MONDO:0024535, OMIM 182250.
Aicardi-Goutieres syndrome 7 (AGS7). Identifiers: Orphanet 51, MedGen C3888244, MONDO:0014367, OMIM 615846.

Allele frequency attached by ClinVar (database versions not stated): gnomAD exomes below 0.00001.
gnomAD v4.1: 2 of 1,610,482 alleles (0.00012%); highest among the groups gnomAD compares: African/African-American, 0.0027%; no homozygotes.

Submissions (2):

Labcorp Genetics (formerly Invitae), Labcorp
Classification: Uncertain significance for Aicardi-Goutieres syndrome 7; Singleton-Merten syndrome 1. Last evaluated: 2025-06-22. Review status: criteria provided, single submitter. Criteria: Invitae Variant Classification Sherloc (09022015). Collection method: clinical testing. Allele origin: germline.
Comment: This sequence change replaces threonine, which is neutral and polar, with alanine, which is neutral and non-polar, at codon 1009 of the IFIH1 protein (p.Thr1009Ala). This variant is not present in population databases (gnomAD no frequency). This variant has not been reported in the literature in individuals affected with IFIH1-related conditions. ClinVar contains an entry for this variant (Variation ID: 1461161). An algorithm developed to predict the effect of missense changes on protein structure and function outputs the following: PolyPhen-2: "Benign". The alanine amino acid residue is found in multiple mammalian species, which suggests that this missense change does not adversely affect protein function. In summary, the available evidence is currently insufficient to determine the role of this variant in disease. Therefore, it has been classified as a Variant of Uncertain Significance.

GeneDx
Classification: Uncertain significance. Last evaluated: 2022-07-05. Review status: criteria provided, single submitter. Criteria: GeneDx Variant Classification Process June 2021. Collection method: clinical testing. Allele origin: germline. Affected: yes.
Comment: Not observed at significant frequency in large population cohorts (gnomAD); In silico analysis supports that this missense variant does not alter protein structure/function; Has not been previously published as pathogenic or benign to our knowledge